The following is an entry in ClinVar:

ClinVar aggregate classification (germline): Uncertain significance. Review status: criteria provided, multiple submitters, no conflicts (2 of 4 stars). 3 submissions from 3 submitters: Uncertain significance (3). Last evaluated 2025-07-20.

Conditions:
NOTCH2-related disorder. Also called: NOTCH2-related condition.
Hajdu-Cheney syndrome (HJCYS). Also called: SERPENTINE FIBULA-POLYCYSTIC KIDNEY SYNDROME; ACROOSTEOLYSIS WITH OSTEOPOROSIS AND CHANGES IN SKULL AND MANDIBLE; Acroosteolysis dominant type. Identifiers: Orphanet 955, MedGen C0917715, MONDO:0007057, OMIM 102500.

Allele frequency attached by ClinVar (database versions not stated): TOPMed 0.00001.

Submissions (3):

Labcorp Genetics (formerly Invitae), Labcorp
Classification: Uncertain significance for Hajdu-Cheney syndrome. Last evaluated: 2025-07-20. Review status: criteria provided, single submitter. Criteria: Invitae Variant Classification Sherloc (09022015). Collection method: clinical testing. Allele origin: germline.
Comment: This sequence change replaces leucine, which is neutral and non-polar, with proline, which is neutral and non-polar, at codon 1035 of the NOTCH2 protein (p.Leu1035Pro). This variant is not present in population databases (gnomAD no frequency). This variant has not been reported in the literature in individuals affected with NOTCH2-related conditions. ClinVar contains an entry for this variant (Variation ID: 594309). Invitae Evidence Modeling of protein sequence and biophysical properties (such as structural, functional, and spatial information, amino acid conservation, physicochemical variation, residue mobility, and thermodynamic stability) indicates that this missense variant is not expected to disrupt NOTCH2 protein function with a negative predictive value of 80%. In summary, the available evidence is currently insufficient to determine the role of this variant in disease. Therefore, it has been classified as a Variant of Uncertain Significance.

PreventionGenetics, part of Exact Sciences
Classification: Uncertain significance for NOTCH2-related condition. Last evaluated: 2024-10-21. Review status: criteria provided, single submitter. Criteria: ACMG Guidelines, 2015. Collection method: clinical testing. Allele origin: germline.
Comment: The NOTCH2 c.3104T>C variant is predicted to result in the amino acid substitution p.Leu1035Pro. To our knowledge, this variant has not been reported in the literature or in a large population database (gnomAD), indicating this variant is rare. At this time, the clinical significance of this variant is uncertain due to the absence of conclusive functional and genetic evidence.

Eurofins Ntd Llc (ga)
Classification: Uncertain significance. Last evaluated: 2017-10-03. Review status: criteria provided, single submitter. Criteria: EGL Classification Definitions 2015. Collection method: clinical testing. Allele origin: germline. Observed: 1 variant allele, 1 heterozygote.

NM_024408.4(NOTCH2):c.3104T>C (p.Leu1035Pro)

Gene: NOTCH2 (notch receptor 2; minus strand). Cytogenetic location: 1p12.
Variant type: single nucleotide variant.
Coding change: c.3104T>C on transcript NM_024408.4 (MANE Select); coding-DNA position 3104, T replaced by C.
Protein change: p.Leu1035Pro; replaces leucine 1035 with proline.
Molecular consequence: missense variant.
Genome position (GRCh38, 1-based): chr1:119,940,634, A>G on the plus strand (T>C on the coding strand, the complement: NOTCH2 is on the minus strand). VCF-style: chr1-119940634-A-G. GRCh37 (hg19) VCF-style: chr1-120483257-A-G.
Other names: c.3104T>C, p.Leu1035Pro (NM_001200001.2); c.3104T>C (NM_024408.3); short protein forms L1035P.
Identifiers: ClinVar variation 594309 (VCV000594309.9), dbSNP rs1038706033, ClinGen allele CA30282626.